The following is an entry in ClinVar:

NM_181078.3(IL21R):c.985C>G (p.Leu329Val)

Genes: IL21R (interleukin 21 receptor; plus strand), IL21R-AS1 (IL21R antisense RNA 1; minus strand), LOC130058712 (ATAC-STARR-seq lymphoblastoid active region 10626; plus strand). Cytogenetic location: 16p12.1.
Variant type: single nucleotide variant.
Coding change: c.985C>G on transcript NM_181078.3 (MANE Select); coding-DNA position 985, C replaced by G.
Protein change: p.Leu329Val; replaces leucine 329 with valine.
Molecular consequence: missense variant. On other transcripts: non-coding transcript variant (1).
Genome position (GRCh38, 1-based): chr16:27,448,651, C>G. VCF-style: chr16-27448651-C-G. GRCh37 (hg19) VCF-style: chr16-27459972-C-G.
Other names: c.985C>G, p.Leu329Val (NM_021798.4); c.1051C>G, p.Leu351Val (NM_181079.5); short protein forms L329V, L351V.
Identifiers: ClinVar variation 2117960 (VCV002117960.4), dbSNP rs768708532, ClinGen allele CA7975128.

ClinVar aggregate classification (germline): Uncertain significance (1 of 4 stars; one submission).

Conditions:
Cryptosporidiosis-chronic cholangitis-liver disease syndrome. Also called: IL21R immunodeficiency; Immunodeficiency type 56. Identifiers: Orphanet 357329, MedGen C3554687, MONDO:0014082, OMIM 615207.

Allele frequency attached by ClinVar (database versions not stated): ExAC 0.00001; gnomAD 0.00001; TOPMed 0.00001.
gnomAD v4.1: 16 of 1,613,020 alleles (0.00099%); highest among the groups gnomAD compares: Non-Finnish European, 0.0012%; no homozygotes.

Submission:

Labcorp Genetics (formerly Invitae), Labcorp
Classification: Uncertain significance for Cryptosporidiosis-chronic cholangitis-liver disease syndrome. Last evaluated: 2022-05-30. Review status: criteria provided, single submitter. Criteria: Invitae Variant Classification Sherloc (09022015). Collection method: clinical testing. Allele origin: germline.
Comment: This sequence change replaces leucine, which is neutral and non-polar, with valine, which is neutral and non-polar, at codon 329 of the IL21R protein (p.Leu329Val). This variant is present in population databases (rs768708532, gnomAD 0.0009%). In summary, the available evidence is currently insufficient to determine the role of this variant in disease. Therefore, it has been classified as a Variant of Uncertain Significance. Algorithms developed to predict the effect of missense changes on protein structure and function (SIFT, PolyPhen-2, Align-GVGD) all suggest that this variant is likely to be tolerated. This variant has not been reported in the literature in individuals affected with IL21R-related conditions.